The following is an entry in ClinVar:

NM_002386.4(MC1R):c.241G>C (p.Ala81Pro)

Gene: MC1R (melanocortin 1 receptor; plus strand). Cytogenetic location: 16q24.3.
Variant type: single nucleotide variant.
Coding change: c.241G>C on transcript NM_002386.4 (MANE Select); coding-DNA position 241, G replaced by C.
Protein change: p.Ala81Pro; replaces alanine 81 with proline.
Molecular consequence: missense variant.
Genome position (GRCh38, 1-based): chr16:89,919,499, G>C. VCF-style: chr16-89919499-G-C. GRCh37 (hg19) VCF-style: chr16-89985907-G-C.
Other names: short protein forms A81P.
Identifiers: ClinVar variation 886679 (VCV000886679.12), dbSNP rs772286882, ClinGen allele CA8255532.

ClinVar aggregate classification (germline): Benign/Likely benign. Review status: criteria provided, multiple submitters, no conflicts (2 of 4 stars). 2 submissions from 2 submitters: Benign (1); Likely benign (1). Last evaluated 2025-11-21.

Conditions:
Melanoma, cutaneous malignant, susceptibility to, 5. Also called: Cutaneous malignant melanoma 5. Identifiers: Orphanet 618, MedGen C2751295, MONDO:0013133, OMIM 613099.

Allele frequency attached by ClinVar (database versions not stated): TOPMed 0.00002; gnomAD 0.00003 and 0.00004; ExAC 0.00007; gnomAD exomes 0.00007.

Submissions (2):

Labcorp Genetics (formerly Invitae), Labcorp
Classification: Likely benign for Melanoma, cutaneous malignant, susceptibility to, 5. Last evaluated: 2025-11-21. Review status: criteria provided, single submitter. Criteria: Invitae Variant Classification Sherloc (09022015). Collection method: clinical testing. Allele origin: germline.

Illumina Laboratory Services, Illumina
Classification: Benign for Melanoma, cutaneous malignant, susceptibility to, 5. Last evaluated: 2017-10-04. Review status: criteria provided, single submitter. Criteria: ICSL Variant Classification Criteria 13 December 2019. Collection method: clinical testing. Allele origin: germline.
Comment: This variant was observed as part of a predisposition screen in an ostensibly healthy population. A literature search was performed for the gene, cDNA change, and amino acid change (where applicable). Publications were found based on this search. The evidence from the literature, in combination with allele frequency data from public databases where available, was sufficient to rule this variant out of causing disease. Therefore, this variant is classified as benign.

Literature cited by the submitters: PubMed 11254446 (cited by Illumina Laboratory Services, Illumina); PubMed 18402696 (cited by Illumina Laboratory Services, Illumina); PubMed 11511307 (cited by Illumina Laboratory Services, Illumina).